The following is an entry in ClinVar:

ClinVar aggregate classification (germline): Pathogenic (1 of 4 stars; one submission).

Conditions:
Juvenile polyposis syndrome (JPS). Identifiers: Orphanet 2929, MedGen C0345893, MONDO:0017380, OMIM 174900.

Submission:

Labcorp Genetics (formerly Invitae), Labcorp
Classification: Pathogenic for Juvenile polyposis syndrome. Last evaluated: 2024-12-26. Review status: criteria provided, single submitter. Criteria: Invitae Variant Classification Sherloc (09022015). Collection method: clinical testing. Allele origin: germline.
Comment: This sequence change creates a premature translational stop signal (p.Cys475Valfs*11) in the BMPR1A gene. While this is not anticipated to result in nonsense mediated decay, it is expected to disrupt the last 58 amino acid(s) of the BMPR1A protein. This variant is not present in population databases (gnomAD no frequency). This variant has not been reported in the literature in individuals affected with BMPR1A-related conditions. This variant disrupts a region of the BMPR1A protein in which other variant(s) (p.Arg480Trp) have been determined to be pathogenic (PMID: 18178612; internal data). This suggests that this is a clinically significant region of the protein, and that variants that disrupt it are likely to be disease-causing. For these reasons, this variant has been classified as Pathogenic.

Literature cited by the submitters: PubMed 18178612.

NM_004329.3(BMPR1A):c.1421dup (p.Cys475fs)

Gene: BMPR1A (bone morphogenetic protein receptor type 1A; plus strand). Cytogenetic location: 10q23.2.
Variant type: Duplication.
Coding change: c.1421dup on transcript NM_004329.3 (MANE Select); coding-DNA position 1421, one base duplicated (T; older notation c.1421dupT).
Protein change: p.Cys475fs; shifts the reading frame from cysteine 475.
Molecular consequence: frameshift variant. On other transcripts: non-coding transcript variant (3).
Genome position (GRCh38, 1-based): chr10:86,923,454, T duplicated. VCF-style (leftmost placement, unchanged base first): chr10-86923453-G-GT. GRCh37 (hg19) VCF-style: chr10-88683210-G-GT.
Other names: c.1496dup, p.Cys500fs (NM_001406559.1); c.1469dup, p.Cys491fs (NM_001406560.1); c.1421dup, p.Cys475fs (NM_001406561.1, NM_001406562.1, NM_001406563.1 and 19 more transcripts); c.1415dup, p.Cys473fs (NM_001406583.1); c.1337dup, p.Cys447fs (NM_001406584.1, NM_001406585.1, NM_001406586.1 and 2 more transcripts); c.1079dup, p.Cys361fs (NM_001406589.1); short protein forms C475fs, C361fs, C473fs, C500fs, C447fs, C491fs.
Identifiers: ClinVar variation 3728082 (VCV003728082.2).
Genomic context (GRCh38, chr10:86,923,453, plus strand): 5'-CAATTGCCATATTACAACATGGTACCGAGTGATCCGTCATACGAAGATATGCGTGAGGTT[G>GT]TGTGTGTCAAACGTTTGCGGCCAATTGTGTCTAATCGGTGGAACAGTGATGAAGTGAGTG-3'